The following is an entry in ClinVar:

ClinVar aggregate classification (germline): Uncertain significance (1 of 4 stars; one submission).

Allele frequency attached by ClinVar (database versions not stated): gnomAD exomes below 0.00001 and 0.00001.
gnomAD v4.1: 4 of 1,614,182 alleles (0.00025%); highest among the groups gnomAD compares: Admixed American, 0.005%; no homozygotes.

Submission:

Labcorp Genetics (formerly Invitae), Labcorp
Classification: Uncertain significance. Last evaluated: 2025-12-20. Review status: criteria provided, single submitter. Criteria: Invitae Variant Classification Sherloc (09022015). Collection method: clinical testing. Allele origin: germline.
Comment: This sequence change replaces proline, which is neutral and non-polar, with serine, which is neutral and polar, at codon 317 of the SIAE protein (p.Pro317Ser). This variant is present in population databases (no rsID available, gnomAD 0.003%). This variant has not been reported in the literature in individuals affected with SIAE-related conditions. ClinVar contains an entry for this variant (Variation ID: 1023945). An algorithm developed to predict the effect of missense changes on protein structure and function (PolyPhen-2) suggests that this variant is likely to be disruptive. In summary, the available evidence is currently insufficient to determine the role of this variant in disease. Therefore, it has been classified as a Variant of Uncertain Significance.

NM_170601.5(SIAE):c.949C>T (p.Pro317Ser)

Gene: SIAE (sialic acid acetylesterase; minus strand). Cytogenetic location: 11q24.2.
Variant type: single nucleotide variant.
Coding change: c.949C>T on transcript NM_170601.5 (MANE Select); coding-DNA position 949, C replaced by T.
Protein change: p.Pro317Ser; replaces proline 317 with serine.
Molecular consequence: missense variant.
Genome position (GRCh38, 1-based): chr11:124,647,382, G>A on the plus strand (C>T on the coding strand, the complement: SIAE is on the minus strand). VCF-style: chr11-124647382-G-A. GRCh37 (hg19) VCF-style: chr11-124517278-G-A.
Other names: c.844C>T, p.Pro282Ser (NM_001199922.2); short protein forms P282S, P317S.
Identifiers: ClinVar variation 1023945 (VCV001023945.8), dbSNP rs1353386556, ClinGen allele CA383148295.